The following is an entry in ClinVar:

ClinVar aggregate classification (germline): Uncertain significance. Review status: criteria provided, multiple submitters, no conflicts (2 of 4 stars). 2 submissions from 2 submitters: Uncertain significance (2). Last evaluated 2024-04-11.

Submissions (2):

Labcorp Genetics (formerly Invitae), Labcorp
Classification: Uncertain significance. Last evaluated: 2024-04-11. Review status: criteria provided, single submitter. Criteria: Invitae Variant Classification Sherloc (09022015). Collection method: clinical testing. Allele origin: germline.
Comment: This sequence change replaces proline, which is neutral and non-polar, with serine, which is neutral and polar, at codon 681 of the KMT2B protein (p.Pro681Ser). This variant is not present in population databases (gnomAD no frequency). This variant has not been reported in the literature in individuals affected with KMT2B-related conditions. Advanced modeling of protein sequence and biophysical properties (such as structural, functional, and spatial information, amino acid conservation, physicochemical variation, residue mobility, and thermodynamic stability) performed at Invitae indicates that this missense variant is not expected to disrupt KMT2B protein function with a negative predictive value of 95%. In summary, the available evidence is currently insufficient to determine the role of this variant in disease. Therefore, it has been classified as a Variant of Uncertain Significance.

Blueprint Genetics
Classification: Uncertain significance. Last evaluated: 2023-02-20. Review status: criteria provided, single submitter. Criteria: ACMG Guidelines, 2015. Collection method: clinical testing. Allele origin: germline.

NM_014727.3(KMT2B):c.2041C>T (p.Pro681Ser)

Gene: KMT2B (lysine methyltransferase 2B; plus strand). Cytogenetic location: 19q13.12.
Variant type: single nucleotide variant.
Coding change: c.2041C>T on transcript NM_014727.3 (MANE Select); coding-DNA position 2041, C replaced by T.
Protein change: p.Pro681Ser; replaces proline 681 with serine.
Molecular consequence: missense variant.
Genome position (GRCh38, 1-based): chr19:35,721,388, C>T. VCF-style: chr19-35721388-C-T. GRCh37 (hg19) VCF-style: chr19-36212290-C-T.
Other names: short protein forms P681S.
Identifiers: ClinVar variation 3681526 (VCV003681526.3).
Genomic context (GRCh38, chr19:35,721,388, plus strand): 5'-ATCTACGAATCGGTGCTTACTCCTCCTCCTCTTGGGGCTCCTGAAGCCCCTGAGCCAGAG[C>T]CTCCTCCTGCCGATGACTCTCCAGCTGAGCCTGAGCCTCGGGCAGTGGGCCGCACCAACC-3'
Protein context (NP_055542.1, residues 671-691): LGAPEAPEPE[Pro681Ser]PPADDSPAEP